The following is an entry in ClinVar:

ClinVar aggregate classification (germline): Uncertain significance (1 of 4 stars; one submission).

Conditions:
Neurofibromatosis, type 1 (NF1). Also called: Neurofibromatosis, type I; Peripheral type neurofibromatosis; VON RECKLINGHAUSEN DISEASE; NEUROFIBROMATOSIS, TYPE I, SOMATIC. Identifiers: Orphanet 636, MedGen C0027831, MONDO:0018975, OMIM 162200. Disease mechanism: loss of function.

Allele frequency attached by ClinVar (database versions not stated): gnomAD exomes below 0.00001; ExAC 0.00001; gnomAD 0.00001; 1000 Genomes Project 30x 0.00016; 1000 Genomes Project 0.00020.

Submission:

Labcorp Genetics (formerly Invitae), Labcorp
Classification: Uncertain significance for Neurofibromatosis, type 1. Last evaluated: 2021-04-08. Review status: criteria provided, single submitter. Criteria: Invitae Variant Classification Sherloc (09022015). Collection method: clinical testing. Allele origin: germline.
Comment: In summary, the available evidence is currently insufficient to determine the role of this variant in disease. Therefore, it has been classified as a Variant of Uncertain Significance. Algorithms developed to predict the effect of sequence changes on RNA splicing suggest that this variant is not likely to affect RNA splicing, but this prediction has not been confirmed by published transcriptional studies. This variant has not been reported in the literature in individuals with NF1-related conditions. This variant is present in population databases (rs147755637, ExAC 0.01%). This sequence change affects codon 1554 of the NF1 mRNA. It is a 'silent' change, meaning that it does not change the encoded amino acid sequence of the NF1 protein.

NM_001042492.3(NF1):c.4725G>A (p.Arg1575=)

Gene: NF1 (neurofibromin 1; plus strand). Cytogenetic location: 17q11.2.
Variant type: single nucleotide variant.
Coding change: c.4725G>A on transcript NM_001042492.3 (MANE Select); coding-DNA position 4725, G replaced by A.
Protein change: p.Arg1575=; no amino-acid change (arginine 1575 retained).
Molecular consequence: synonymous variant.
Genome position (GRCh38, 1-based): chr17:31,265,229, G>A. VCF-style: chr17-31265229-G-A. GRCh37 (hg19) VCF-style: chr17-29592247-G-A.
Other names: c.4662G>A, p.Arg1554= (NM_000267.4).
Identifiers: ClinVar variation 1510334 (VCV001510334.6), dbSNP rs147755637, ClinGen allele CA8486470.
Genomic context (GRCh38, chr17:31,265,229, plus strand): 5'-TTTTTACATACTCAGTAGACAACATAAAGCCTCATAATTACTCTGTTATTTTTCTTTTAG[G>A]CATCAGGTACATGAAAAAGAAGAATTCAAGGCTTTGAAAACGTTAAGTATTTTCTACCAA-3'
Protein context (NP_001035957.1, residues 1565-1585): TSSKFEEFMT[Arg1575=]HQVHEKEEFK